The following is an entry in ClinVar:

ClinVar aggregate classification (germline): Benign. Review status: criteria provided, single submitter (1 of 4 stars). 2 submissions from 2 submitters: Benign (1). 1 of the submissions does not count toward it. Last evaluated 2022-05-01.

Conditions:
UBR4-related disorder. Also called: UBR4-related condition.

Allele frequency attached by ClinVar (database versions not stated): gnomAD exomes 0.00065; ExAC 0.00128; 1000 Genomes Project 30x 0.00141; 1000 Genomes Project 0.00160.
gnomAD v4.1: 1,030 of 1,613,998 alleles (0.064%); highest among the groups gnomAD compares: South Asian, 0.9%; 14 homozygotes.

Submissions (2):

CeGaT Center for Human Genetics Tuebingen
Classification: Benign. Last evaluated: 2022-05-01. Review status: criteria provided, single submitter. Criteria: CeGaT Center For Human Genetics Tuebingen Variant Classification Criteria Version 2. Collection method: clinical testing. Allele origin: germline. Affected: yes. Observed: 1 variant allele.
Comment: UBR4: BS1, BS2

PreventionGenetics, part of Exact Sciences
Classification: Benign for UBR4-related condition. Last evaluated: 2019-07-03. Review status: no assertion criteria provided. Collection method: clinical testing. Allele origin: germline. Not counted in ClinVar's aggregate classification.
Comment: This variant is classified as benign based on ACMG/AMP sequence variant interpretation guidelines (Richards et al. 2015 PMID: 25741868, with internal and published modifications).

NM_020765.3(UBR4):c.4923G>A (p.Ala1641=)

Gene: UBR4 (ubiquitin protein ligase E3 component n-recognin 4; minus strand). Cytogenetic location: 1p36.13.
Variant type: single nucleotide variant.
Coding change: c.4923G>A on transcript NM_020765.3 (MANE Select); coding-DNA position 4923, G replaced by A.
Protein change: p.Ala1641=; no amino-acid change (alanine 1641 retained).
Molecular consequence: synonymous variant.
Genome position (GRCh38, 1-based): chr1:19,162,453, C>T on the plus strand (G>A on the coding strand, the complement: UBR4 is on the minus strand). VCF-style: chr1-19162453-C-T. GRCh37 (hg19) VCF-style: chr1-19488947-C-T.
Other names: c.4923G>A (NM_020765.2).
Identifiers: ClinVar variation 2638422 (VCV002638422.25), dbSNP rs532727929, ClinGen allele CA650693.